The following is an entry in ClinVar:

NM_015681.6(B9D1):c.376T>A (p.Ser126Thr)

Gene: B9D1 (B9 domain containing 1; minus strand). Cytogenetic location: 17p11.2.
Variant type: single nucleotide variant.
Coding change: c.376T>A on transcript NM_015681.6 (MANE Select); coding-DNA position 376, T replaced by A.
Protein change: p.Ser126Thr; replaces serine 126 with threonine.
Molecular consequence: missense variant.
Genome position (GRCh38, 1-based): chr17:19,347,297, A>T on the plus strand (T>A on the coding strand, the complement: B9D1 is on the minus strand). VCF-style: chr17-19347297-A-T. GRCh37 (hg19) VCF-style: chr17-19250610-A-T.
Other names: c.376T>A, p.Ser126Thr (NM_001321214.2, NM_001321215.3, NM_001321216.2 and 4 more transcripts); c.16T>A, p.Ser6Thr (NM_001368769.2); short protein forms S126T, S6T.
Identifiers: ClinVar variation 260674 (VCV000260674.19), dbSNP rs201299216, ClinGen allele CA8440241.

ClinVar aggregate classification (germline): Conflicting classifications of pathogenicity. Review status: criteria provided, conflicting classifications (1 of 4 stars). 6 submissions from 6 submitters: Uncertain significance (3); Benign (1); Likely benign (2). Last evaluated 2026-01-09.

Conditions:
Meckel syndrome, type 9 (MKS9). Identifiers: Orphanet 564, MedGen C3280155, MONDO:0013630, OMIM 614209.
Joubert syndrome. Also called: Familial aplasia of the vermis; JOUBERT-BOLTSHAUSER SYNDROME. Identifiers: Orphanet 475, MedGen C5979921, MONDO:0018772.
Meckel-Gruber syndrome. Also called: DYSENCEPHALIA SPLANCHNOCYSTICA; Dysencephalia splachnocystica; GRUBER SYNDROME. Identifiers: Orphanet 564, MedGen C0265215, MONDO:0018921.

Allele frequency attached by ClinVar (database versions not stated): gnomAD exomes 0.00016 and 0.00028; gnomAD 0.00020 and 0.00022; TOPMed 0.00020; ExAC 0.00023; ESP Exome Variant Server 0.00023.
gnomAD v4.1: 275 of 1,614,114 alleles (0.017%); highest among the groups gnomAD compares: Middle Eastern, 0.033%; no homozygotes.

Submissions (6):

Labcorp Genetics (formerly Invitae), Labcorp
Classification: Likely benign for Joubert syndrome; Meckel-Gruber syndrome. Last evaluated: 2026-01-09. Review status: criteria provided, single submitter. Criteria: Invitae Variant Classification Sherloc (09022015). Collection method: clinical testing. Allele origin: germline.

Blueprint Genetics
Classification: Benign. Last evaluated: 2023-10-03. Review status: criteria provided, single submitter. Criteria: ACMG Guidelines, 2015. Collection method: clinical testing. Allele origin: germline.

Baylor Genetics
Classification: Uncertain significance for Meckel syndrome, type 9. Last evaluated: 2018-01-18. Review status: criteria provided, single submitter. Criteria: ACMG Guidelines, 2015. Collection method: clinical testing. Allele origin: paternal. Affected: yes.
Comment: This variant was determined to be of uncertain significance according to ACMG Guidelines, 2015 [PMID:25741868].

Illumina Laboratory Services, Illumina
Classification: Uncertain significance for Meckel syndrome, type 9. Last evaluated: 2018-01-12. Review status: criteria provided, single submitter. Criteria: ICSL Variant Classification Criteria 13 December 2019. Collection method: clinical testing. Allele origin: germline.

GeneDx
Classification: Uncertain significance. Last evaluated: 2017-01-19. Review status: criteria provided, single submitter. Criteria: GeneDx Variant Classification (06012015). Collection method: clinical testing. Allele origin: germline. Affected: yes.
Comment: The S126T variant in the B9D1 gene has not been reported previously as a pathogenic variant, nor as a benign variant, to our knowledge. The S126T variant was not observed with any significant frequency in approximately 6500 individuals of European and African American ancestry in the NHLBI Exome Sequencing Project, indicating it is not a common benign variant in these populations. The S126T variant is a conservative amino acid substitution, which is not likely to impact secondary protein structure as these residues share similar properties. This substitution occurs at a position that is conserved in mammals. In silico analysis is inconsistent in its predictions as to whether or not the variant is damaging to the protein structure/function. We interpret S126T as a variant of uncertain significance.

PreventionGenetics, part of Exact Sciences
Classification: Likely benign. Review status: criteria provided, single submitter. Criteria: ACMG Guidelines, 2015. Collection method: clinical testing. Allele origin: germline.